The following is an entry in ClinVar:

ClinVar aggregate classification (germline): Conflicting classifications of pathogenicity. Review status: criteria provided, conflicting classifications (1 of 4 stars). 3 submissions from 3 submitters: Uncertain significance (2); Likely benign (1). Last evaluated 2025-06-10.

Conditions:
Inborn genetic diseases. Identifiers: MedGen C0950123, MeSH D030342.

Allele frequency attached by ClinVar (database versions not stated): ExAC 0.00002; gnomAD 0.00002 and 0.00003; ESP Exome Variant Server 0.00008; gnomAD exomes 0.00001; TOPMed 0.00001.
gnomAD v4.1: 41 of 1,614,032 alleles (0.0025%); highest among the groups gnomAD compares: African/African-American, 0.024%; no homozygotes.

Submissions (3):

GeneDx
Classification: Uncertain significance. Last evaluated: 2025-06-10. Review status: criteria provided, single submitter. Criteria: GeneDx Variant Classification Process June 2021. Collection method: clinical testing. Allele origin: germline.
Comment: Not observed at significant frequency in large population cohorts (gnomAD); In silico analysis suggests that this missense variant does not alter protein structure/function; Has not been previously published as pathogenic or benign to our knowledge

Labcorp Genetics (formerly Invitae), Labcorp
Classification: Uncertain significance. Last evaluated: 2023-12-11. Review status: criteria provided, single submitter. Criteria: Invitae Variant Classification Sherloc (09022015). Collection method: clinical testing. Allele origin: germline.
Comment: This sequence change replaces isoleucine, which is neutral and non-polar, with valine, which is neutral and non-polar, at codon 2500 of the SZT2 protein (p.Ile2500Val). This variant is present in population databases (rs112994383, gnomAD 0.007%). This variant has not been reported in the literature in individuals affected with SZT2-related conditions. ClinVar contains an entry for this variant (Variation ID: 848297). Advanced modeling of protein sequence and biophysical properties (such as structural, functional, and spatial information, amino acid conservation, physicochemical variation, residue mobility, and thermodynamic stability) performed at Invitae indicates that this missense variant is not expected to disrupt SZT2 protein function with a negative predictive value of 80%. In summary, the available evidence is currently insufficient to determine the role of this variant in disease. Therefore, it has been classified as a Variant of Uncertain Significance.

Ambry Genetics
Classification: Likely benign for Inborn genetic diseases. Last evaluated: 2017-12-15. Review status: criteria provided, single submitter. Criteria: Ambry Variant Classification Scheme 2023. Collection method: clinical testing. Allele origin: germline.

NM_001365999.1(SZT2):c.7669A>G (p.Ile2557Val)

Gene: SZT2 (SZT2 subunit of KICSTOR complex; plus strand). Cytogenetic location: 1p34.2.
Variant type: single nucleotide variant.
Coding change: c.7669A>G on transcript NM_001365999.1 (MANE Select); coding-DNA position 7669, A replaced by G.
Protein change: p.Ile2557Val; replaces isoleucine 2557 with valine.
Molecular consequence: missense variant.
Genome position (GRCh38, 1-based): chr1:43,441,745, A>G. VCF-style: chr1-43441745-A-G. GRCh37 (hg19) VCF-style: chr1-43907416-A-G.
Other names: c.7498A>G, p.Ile2500Val (NM_015284.4); short protein forms I2500V, I2557V.
Identifiers: ClinVar variation 848297 (VCV000848297.10), dbSNP rs112994383, ClinGen allele CA810289.
Genomic context (GRCh38, chr1:43,441,745, plus strand): 5'-GGTTGTGCCTCAGTGTCCAGAAGCTCTGCCCACATGGTGTCCCGGTTCCTCCTTCCATCC[A>G]TCCTGTCTGAGTTCACCGCACTGGTCACCTCAATGGCTGGAGACACCAGTGTCCGCATCT-3'
Protein context (NP_001352928.1, residues 2547-2567): HMVSRFLLPS[Ile2557Val]LSEFTALVTS